The following is an entry in ClinVar:

NM_000209.4(PDX1):c.707del (p.Leu236fs)

Gene: PDX1 (pancreatic and duodenal homeobox 1; plus strand). Cytogenetic location: 13q12.2.
Variant type: Deletion.
Coding change: c.707del on transcript NM_000209.4 (MANE Select); coding-DNA position 707, one base deleted (T; older notation c.707delT).
Protein change: p.Leu236fs; shifts the reading frame from leucine 236.
Molecular consequence: frameshift variant.
Genome position (GRCh38, 1-based): chr13:27,924,556, T deleted. VCF-style (leftmost placement, unchanged base first): chr13-27924555-CT-C. GRCh37 (hg19) VCF-style: chr13-28498692-CT-C.
Other names: short protein forms L236fs.
Identifiers: ClinVar variation 2578231 (VCV002578231.1), dbSNP rs2500206933, ClinGen allele CA2580617724.

ClinVar aggregate classification (germline): Uncertain significance (1 of 4 stars; one submission).

Submission:

GeneDx
Classification: Uncertain significance. Last evaluated: 2023-03-01. Review status: criteria provided, single submitter. Criteria: GeneDx Variant Classification Process June 2021. Collection method: clinical testing. Allele origin: germline. Affected: yes.
Comment: Frameshift variant predicted to result in protein truncation as the last 48 amino acids are replaced with 69 different amino acids, although loss-of-function variants have not been reported downstream of this position in the protein; Not observed at significant frequency in large population cohorts (gnomAD); Has not been previously published as pathogenic or benign to our knowledge